The following is an entry in ClinVar:

ClinVar aggregate classification (germline): Pathogenic (1 of 4 stars; one submission).

Conditions:
Fanconi anemia (FA). Also called: Fanconi's anemia. Identifiers: Orphanet 84, MedGen C0015625, MeSH D005199, MONDO:0019391.

Submission:

Labcorp Genetics (formerly Invitae), Labcorp
Classification: Pathogenic for Fanconi anemia. Last evaluated: 2025-11-08. Review status: criteria provided, single submitter. Criteria: Invitae Variant Classification Sherloc (09022015). Collection method: clinical testing. Allele origin: germline.
Comment: This sequence change creates a premature translational stop signal (p.Gln71*) in the FANCL gene. It is expected to result in an absent or disrupted protein product. Loss-of-function variants in FANCL are known to be pathogenic (PMID: 19405097, 23613520). This variant is not present in population databases (gnomAD no frequency). This variant has not been reported in the literature in individuals affected with FANCL-related conditions. ClinVar contains an entry for this variant (Variation ID: 526347). For these reasons, this variant has been classified as Pathogenic.

Literature cited by the submitters: PubMed 19405097; PubMed 23613520.

NM_018062.4(FANCL):c.211C>T (p.Gln71Ter)

Gene: FANCL (FA complementation group L; minus strand). Cytogenetic location: 2p16.1.
Variant type: single nucleotide variant.
Coding change: c.211C>T on transcript NM_018062.4 (MANE Select); coding-DNA position 211, C replaced by T.
Protein change: p.Gln71Ter; replaces glutamine 71 with a stop codon.
Molecular consequence: nonsense.
Genome position (GRCh38, 1-based): chr2:58,229,819, G>A on the plus strand (C>T on the coding strand, the complement: FANCL is on the minus strand). VCF-style: chr2-58229819-G-A. GRCh37 (hg19) VCF-style: chr2-58456954-G-A.
Other names: c.211C>T, p.Gln71Ter (NM_001114636.2, NM_001374615.1, NM_001410792.1); short protein forms Q71*.
Identifiers: ClinVar variation 526347 (VCV000526347.7), dbSNP rs753105795, ClinGen allele CA347034760.